The following is an entry in ClinVar:

ClinVar aggregate classification (germline): Likely benign (1 of 4 stars; one submission).

Conditions:
Hereditary diffuse gastric adenocarcinoma (HDGC). Also called: DIFFUSE GASTRIC AND LOBULAR BREAST CANCER SYNDROME. Identifiers: Orphanet 26106, MedGen C1708349, MONDO:0007648, OMIM 137215.

Submission:

Myriad Genetics, Inc.
Classification: Likely benign for Hereditary diffuse gastric adenocarcinoma. Last evaluated: 2024-09-12. Review status: criteria provided, single submitter. Criteria: Myriad Autosomal Dominant, Autosomal Recessive and X-Linked Classification Criteria (2023). Collection method: clinical testing. Allele origin: unknown.
Comment: This variant is considered likely benign. This variant is intronic and is not expected to impact mRNA splicing.

NM_004360.5(CDH1):c.387+10C>A

Gene: CDH1 (cadherin 1; plus strand). Cytogenetic location: 16q22.1.
Variant type: single nucleotide variant.
Coding change: c.387+10C>A on transcript NM_004360.5 (MANE Select); 10 bases into the intron after coding-DNA position 387, C replaced by A.
Molecular consequence: intron variant.
Genome position (GRCh38, 1-based): chr16:68,801,903, C>A. VCF-style: chr16-68801903-C-A. GRCh37 (hg19) VCF-style: chr16-68835806-C-A.
Other names: c.-1229+10C>A (NM_001317185.2); c.-1433+10C>A (NM_001317186.2); c.387+10C>A (NM_001317184.2).
Identifiers: ClinVar variation 3379013 (VCV003379013.1).